The following is an entry in ClinVar:

ClinVar aggregate classification (germline): Uncertain significance. Review status: criteria provided, multiple submitters, no conflicts (2 of 4 stars). 3 submissions from 3 submitters: Uncertain significance (3). Last evaluated 2023-03-12.

Conditions:
Hereditary cancer-predisposing syndrome. Also called: Tumor predisposition; Neoplastic Syndromes, Hereditary; Hereditary neoplastic syndrome; Hereditary Cancer Syndrome. Identifiers: Orphanet 140162, MedGen C0027672, MeSH D009386, MONDO:0015356.
Neurofibromatosis, type 2 (SWNV). Also called: NF2-Related Schwannomatosis; BILATERAL ACOUSTIC NEUROFIBROMATOSIS; SCHWANNOMATOSIS, VESTIBULAR. Identifiers: Orphanet 637, MedGen C0027832, MONDO:0007039, OMIM 101000. Disease mechanism: loss of function.

Allele frequency attached by ClinVar (database versions not stated): gnomAD exomes below 0.00001.

Submissions (3):

Ambry Genetics
Classification: Uncertain significance for Hereditary cancer-predisposing syndrome. Last evaluated: 2023-03-12. Review status: criteria provided, single submitter. Criteria: Ambry Variant Classification Scheme 2023. Collection method: clinical testing. Allele origin: germline.
Comment: The p.K284R variant (also known as c.851A>G), located in coding exon 9 of the NF2 gene, results from an A to G substitution at nucleotide position 851. The lysine at codon 284 is replaced by arginine, an amino acid with highly similar properties. This amino acid position is conserved. In addition, the in silico prediction for this alteration is inconclusive. Since supporting evidence is limited at this time, the clinical significance of this alteration remains unclear.

Revvity Omics, Revvity
Classification: Uncertain significance for Neurofibromatosis, type 2. Last evaluated: 2022-08-18. Review status: criteria provided, single submitter. Criteria: ACMG Guidelines, 2015. Collection method: clinical testing. Allele origin: germline.

Labcorp Genetics (formerly Invitae), Labcorp
Classification: Uncertain significance for Neurofibromatosis, type 2. Last evaluated: 2022-01-07. Review status: criteria provided, single submitter. Criteria: Invitae Variant Classification Sherloc (09022015). Collection method: clinical testing. Allele origin: germline.
Comment: This sequence change replaces lysine, which is basic and polar, with arginine, which is basic and polar, at codon 284 of the NF2 protein (p.Lys284Arg). This variant is present in population databases (rs764034925, gnomAD 0.0009%). In summary, the available evidence is currently insufficient to determine the role of this variant in disease. Therefore, it has been classified as a Variant of Uncertain Significance. Algorithms developed to predict the effect of sequence changes on RNA splicing suggest that this variant may create or strengthen a splice site. Algorithms developed to predict the effect of missense changes on protein structure and function (SIFT, PolyPhen-2, Align-GVGD) all suggest that this variant is likely to be tolerated. ClinVar contains an entry for this variant (Variation ID: 566844). This variant has not been reported in the literature in individuals affected with NF2-related conditions.

NM_000268.4(NF2):c.851A>G (p.Lys284Arg)

Gene: NF2 (NF2, moesin-ezrin-radixin like (MERLIN) tumor suppressor; plus strand). Cytogenetic location: 22q12.2.
Variant type: single nucleotide variant.
Coding change: c.851A>G on transcript NM_000268.4 (MANE Select); coding-DNA position 851, A replaced by G.
Protein change: p.Lys284Arg; replaces lysine 284 with arginine.
Molecular consequence: missense variant. On other transcripts: non-coding transcript variant (1), intron variant (1).
Genome position (GRCh38, 1-based): chr22:29,665,030, A>G. VCF-style: chr22-29665030-A-G. GRCh37 (hg19) VCF-style: chr22-30061019-A-G.
Other names: c.851A>G, p.Lys284Arg (NM_016418.5, NM_181825.3, NM_181832.3); c.725A>G, p.Lys242Arg (NM_181828.3); c.728A>G, p.Lys243Arg (NM_181829.3); c.602A>G, p.Lys201Arg (NM_181830.3, NM_181831.3); c.447+22745A>G (NM_181833.3); short protein forms K284R, K201R, K243R, K242R.
Identifiers: ClinVar variation 566844 (VCV000566844.10), dbSNP rs764034925, ClinGen allele CA035447.